The following is an entry in ClinVar:

NM_004370.6(COL12A1):c.4910T>C (p.Val1637Ala)

Gene: COL12A1 (collagen type XII alpha 1 chain; minus strand). Cytogenetic location: 6q13.
Variant type: single nucleotide variant.
Coding change: c.4910T>C on transcript NM_004370.6 (MANE Select); coding-DNA position 4910, T replaced by C.
Protein change: p.Val1637Ala; replaces valine 1637 with alanine.
Molecular consequence: missense variant.
Genome position (GRCh38, 1-based): chr6:75,142,079, A>G on the plus strand (T>C on the coding strand, the complement: COL12A1 is on the minus strand). VCF-style: chr6-75142079-A-G. GRCh37 (hg19) VCF-style: chr6-75851795-A-G.
Other names: c.4910T>C, p.Val1637Ala (NM_001424113.1, NM_001424114.1); c.4637T>C, p.Val1546Ala (NM_001424115.1); c.1418T>C, p.Val473Ala (NM_001424116.1, NM_080645.3); short protein forms V1546A, V1637A, V473A.
Identifiers: ClinVar variation 2688818 (VCV002688818.4), dbSNP rs1219943711, ClinGen allele CA364740586.

ClinVar aggregate classification (germline): Uncertain significance. Review status: criteria provided, multiple submitters, no conflicts (2 of 4 stars). 2 submissions from 2 submitters: Uncertain significance (2). Last evaluated 2025-07-07.

Conditions:
Ullrich congenital muscular dystrophy 2 (UCMD2). Identifiers: Orphanet 75840, MedGen C4225314, MONDO:0014654, OMIM 616470.
Bethlem myopathy 2 (BTHLM2). Identifiers: Orphanet 536516, Orphanet 610, MedGen C4225313, MONDO:0034022, OMIM 616471.

Allele frequency attached by ClinVar (database versions not stated): gnomAD exomes below 0.00001; TOPMed below 0.00001.
gnomAD v4.1: 8 of 1,614,108 alleles (0.0005%); highest among the groups gnomAD compares: Middle Eastern, 0.017%; no homozygotes.

Submissions (2):

Labcorp Genetics (formerly Invitae), Labcorp
Classification: Uncertain significance for Bethlem myopathy 2; Ullrich congenital muscular dystrophy 2. Last evaluated: 2025-07-07. Review status: criteria provided, single submitter. Criteria: Invitae Variant Classification Sherloc (09022015). Collection method: clinical testing. Allele origin: germline.
Comment: This sequence change replaces valine, which is neutral and non-polar, with alanine, which is neutral and non-polar, at codon 1637 of the COL12A1 protein (p.Val1637Ala). This variant is present in population databases (no rsID available, gnomAD 0.0009%). This variant has not been reported in the literature in individuals affected with COL12A1-related conditions. ClinVar contains an entry for this variant (Variation ID: 2688818). Invitae Evidence Modeling of protein sequence and biophysical properties (such as structural, functional, and spatial information, amino acid conservation, physicochemical variation, residue mobility, and thermodynamic stability) indicates that this missense variant is not expected to disrupt COL12A1 protein function with a negative predictive value of 80%. In summary, the available evidence is currently insufficient to determine the role of this variant in disease. Therefore, it has been classified as a Variant of Uncertain Significance.

Revvity Omics, Revvity
Classification: Uncertain significance. Last evaluated: 2023-08-02. Review status: criteria provided, single submitter. Criteria: ACMG Guidelines, 2015. Collection method: clinical testing. Allele origin: germline.